The following is an entry in ClinVar:

ClinVar aggregate classification (germline): Conflicting classifications of pathogenicity. Review status: criteria provided, conflicting classifications (1 of 4 stars). 3 submissions from 3 submitters: Uncertain significance (1); Likely benign (1). 1 of the submissions does not count toward it. Last evaluated 2025-04-01.

Conditions:
Oculopharyngeal muscular dystrophy 1 (OPMD1). Identifiers: MedGen CN376802, MONDO:0958176, OMIM 164300.
PABPN1-related disorder. Also called: PABPN1-related condition.

Allele frequency attached by ClinVar (database versions not stated): TOPMed 0.00005; gnomAD 0.00007; gnomAD exomes 0.00008.
gnomAD v4.1: 90 of 1,158,234 alleles (0.0078%); highest among the groups gnomAD compares: Non-Finnish European, 0.0089%; no homozygotes.

Submissions (3):

CeGaT Center for Human Genetics Tuebingen
Classification: Likely benign. Last evaluated: 2025-04-01. Review status: criteria provided, single submitter. Criteria: CeGaT Center For Human Genetics Tuebingen Variant Classification Criteria Version 2. Collection method: clinical testing. Allele origin: germline. Affected: yes. Observed: 1 variant allele.
Comment: PABPN1: BP4, BS2

Revvity Omics, Revvity
Classification: Uncertain significance for Oculopharyngeal muscular dystrophy 1. Last evaluated: 2022-09-16. Review status: criteria provided, single submitter. Criteria: ACMG Guidelines, 2015. Collection method: clinical testing. Allele origin: germline.

PreventionGenetics, part of Exact Sciences
Classification: Likely benign for PABPN1-related condition. Last evaluated: 2023-01-30. Review status: no assertion criteria provided. Collection method: clinical testing. Allele origin: germline. Not counted in ClinVar's aggregate classification.
Comment: This variant is classified as likely benign based on ACMG/AMP sequence variant interpretation guidelines (Richards et al. 2015 PMID: 25741868, with internal and published modifications).

NM_004643.4(PABPN1):c.-1G>T

Genes: BCL2L2-PABPN1 (BCL2L2-PABPN1 readthrough; plus strand), PABPN1 (poly(A) binding protein nuclear 1; plus strand). Cytogenetic location: 14q11.2.
Variant type: single nucleotide variant.
Coding change: c.-1G>T on transcript NM_004643.4 (MANE Select); 1 bases upstream of the start codon, G replaced by T.
Molecular consequence: 5 prime UTR variant. On other transcripts: intron variant (8).
Genome position (GRCh38, 1-based): chr14:23,321,469, G>T. VCF-style: chr14-23321469-G-T. GRCh37 (hg19) VCF-style: chr14-23790678-G-T.
Other names: c.529-712G>T (NM_001387343.1, NM_001387342.1, NM_001387344.1 and 1 more transcripts); c.433-712G>T (NM_001387345.1, NM_001387346.1, NM_001199864.3); c.550-712G>T (NM_001387340.1); c.-1G>T (NM_001360551.3).
Identifiers: ClinVar variation 2434545 (VCV002434545.12), dbSNP rs947151586, ClinGen allele CA257773631.